The following is an entry in ClinVar:

ClinVar aggregate classification (germline): Benign/Likely benign. Review status: criteria provided, multiple submitters, no conflicts (2 of 4 stars). 10 submissions from 10 submitters: Benign (7); Likely benign (3). Last evaluated 2026-01-24.

Conditions:
Collagen 6-related myopathy. Identifiers: MedGen CN117976, MONDO:0100225.
Bethlem myopathy 1A. Also called: MYOPATHY, BENIGN CONGENITAL, WITH CONTRACTURES; Bethlem myopathy 1; Bethlem Muscular Dystrophy. Identifiers: Orphanet 610, MedGen CN029274, MONDO:0024530, OMIM 158810.

Allele frequency attached by ClinVar (database versions not stated): ExAC 0.00173; 1000 Genomes Project 30x 0.00359; 1000 Genomes Project 0.00379; gnomAD 0.00389; TOPMed 0.00457; ESP Exome Variant Server 0.00492.
gnomAD v4.1: 1,752 of 1,614,180 alleles (0.11%); highest among the groups gnomAD compares: African/African-American, 1.4%; 19 homozygotes.

Submissions (10):

Labcorp Genetics (formerly Invitae), Labcorp
Classification: Benign for Bethlem myopathy 1A. Last evaluated: 2026-01-24. Review status: criteria provided, single submitter. Criteria: Invitae Variant Classification Sherloc (09022015). Collection method: clinical testing. Allele origin: germline.

CeGaT Center for Human Genetics Tuebingen
Classification: Benign. Last evaluated: 2026-01-01. Review status: criteria provided, single submitter. Criteria: CeGaT Center For Human Genetics Tuebingen Variant Classification Criteria Version 2. Collection method: clinical testing. Allele origin: germline. Affected: yes. Observed: 6 variant alleles.
Comment: COL6A3: BS1, BS2

Genomic Medicine Center of Excellence, King Faisal Specialist Hospital and Research Centre
Classification: Likely benign. Last evaluated: 2025-08-18. Review status: criteria provided, single submitter. Criteria: ACMG Guidelines, 2015. Collection method: clinical testing. Allele origin: germline.

Mendelics
Classification: Benign for Bethlem myopathy 1A. Last evaluated: 2019-05-28. Review status: criteria provided, single submitter. Criteria: Mendelics Assertion Criteria 2017. Collection method: clinical testing. Allele origin: unknown.

Mayo Clinic Laboratories, Mayo Clinic
Classification: Benign. Last evaluated: 2018-12-28. Review status: criteria provided, single submitter. Criteria: ACMG Guidelines, 2015. Collection method: clinical testing. Allele origin: germline. Observed: 3 variant alleles.

GeneDx
Classification: Benign. Last evaluated: 2018-11-08. Review status: criteria provided, single submitter. Criteria: GeneDx Variant Classification Process June 2021. Collection method: clinical testing. Allele origin: germline. Affected: yes.
Comment: This variant is associated with the following publications: (PMID: 16935502, 24332716, 15689448, 20981092, 22995991, 17886299)

Athena Diagnostics
Classification: Benign. Last evaluated: 2017-12-19. Review status: criteria provided, single submitter. Criteria: Athena Diagnostics Criteria. Collection method: clinical testing. Allele origin: germline.

Illumina Laboratory Services, Illumina
Classification: Likely benign for Collagen VI-related myopathy. Last evaluated: 2017-04-27. Review status: criteria provided, single submitter. Criteria: ICSL Variant Classification Criteria 13 December 2019. Collection method: clinical testing. Allele origin: germline.
Comment: This variant was observed as part of a predisposition screen in an ostensibly healthy population. A literature search was performed for the gene, cDNA change, and amino acid change (where applicable). Publications were found based on this search. The evidence from the literature, in combination with allele frequency data from public databases where available, was sufficient to determine this variant is unlikely to cause disease. Therefore, this variant is classified as likely benign.

Eurofins Ntd Llc (ga)
Classification: Benign. Last evaluated: 2015-03-06. Review status: criteria provided, single submitter. Criteria: EGL Classification Definitions 2015. Collection method: clinical testing. Allele origin: germline. Observed: 1 variant allele, 1 heterozygote.

Breakthrough Genomics
Classification: Likely benign. Review status: criteria provided, single submitter. Criteria: ACMG Guidelines, 2015. Collection method: not provided. Allele origin: germline. Inheritance: Autosomal recessive inheritance. Affected: yes.

Literature cited by the submitters: PubMed 15689448 (cited by Athena Diagnostics and Illumina Laboratory Services, Illumina); PubMed 20981092 (cited by Athena Diagnostics); PubMed 22995991 (cited by Athena Diagnostics); PubMed 16935502 (cited by Illumina Laboratory Services, Illumina).

NM_004369.4(COL6A3):c.2030G>A (p.Arg677His)

Gene: COL6A3 (collagen type VI alpha 3 chain; minus strand). Cytogenetic location: 2q37.3.
Variant type: single nucleotide variant.
Coding change: c.2030G>A on transcript NM_004369.4 (MANE Select); coding-DNA position 2030, G replaced by A.
Protein change: p.Arg677His; replaces arginine 677 with histidine.
Molecular consequence: missense variant. On other transcripts: intron variant (1).
Genome position (GRCh38, 1-based): chr2:237,379,103, C>T on the plus strand (G>A on the coding strand, the complement: COL6A3 is on the minus strand). VCF-style: chr2-237379103-C-T. GRCh37 (hg19) VCF-style: chr2-238287746-C-T.
Other names: c.809G>A, p.Arg270His (NM_057164.5); c.1412G>A, p.Arg471His (NM_057165.5, NM_057167.4); c.677-1759G>A (NM_057166.5); short protein forms R677H, R270H, R471H.
Identifiers: ClinVar variation 198167 (VCV000198167.55), dbSNP rs35227432, ClinGen allele CA203287.
Genomic context (GRCh38, chr2:237,379,103, plus strand): 5'-TGGTATGTGTTTAAAGAGAACTCCGTTACAGGAGTGTCACTAAATTGCACTAAACCAACA[C>T]GAATATTGTCATTTCCAATATCAAGGCTGTTAACTAGGTTCATTACAAAGTCGCGCACAT-3'
Protein context (NP_004360.2, residues 667-687): NSLDIGNDNI[Arg677His]VGLVQFSDTP